The following is an entry in ClinVar:

ClinVar aggregate classification (germline): Uncertain significance. Review status: criteria provided, multiple submitters, no conflicts (2 of 4 stars). 3 submissions from 3 submitters: Uncertain significance (3). Last evaluated 2025-02-07.

Conditions:
Ritscher-Schinzel syndrome 2. Identifiers: Orphanet 7, MedGen C4225419, MONDO:0010499, OMIM 300963.

Allele frequency attached by ClinVar (database versions not stated): gnomAD exomes below 0.00001.

Submissions (3):

GeneDx
Classification: Uncertain significance. Last evaluated: 2025-02-07. Review status: criteria provided, single submitter. Criteria: GeneDx Variant Classification Process June 2021. Collection method: clinical testing. Allele origin: germline. Affected: yes.
Comment: Not observed at significant frequency in large population cohorts (gnomAD); In silico analysis supports that this missense variant has a deleterious effect on protein structure/function; Has not been previously published as pathogenic or benign to our knowledge

Blueprint Genetics
Classification: Uncertain significance. Last evaluated: 2022-11-24. Review status: criteria provided, single submitter. Criteria: ACMG Guidelines, 2015. Collection method: clinical testing. Allele origin: germline.

Institute of Human Genetics, Clinical Exome/Genome Diagnostics Group, University Hospital Bonn
Classification: Uncertain significance for Ritscher-Schinzel syndrome 2. Last evaluated: 2022-01-26. Review status: criteria provided, single submitter. Criteria: ACMG Guidelines, 2015. Collection method: clinical testing. Allele origin: germline. Affected: yes.
Comment: PM2

NM_014008.5(CCDC22):c.1730C>T (p.Thr577Ile)

Gene: CCDC22 (CCC complex scaffolding subunit CCDC22; plus strand). Cytogenetic location: Xp11.23.
Variant type: single nucleotide variant.
Coding change: c.1730C>T on transcript NM_014008.5 (MANE Select); coding-DNA position 1730, C replaced by T.
Protein change: p.Thr577Ile; replaces threonine 577 with isoleucine.
Molecular consequence: missense variant.
Genome position (GRCh38, 1-based): chrX:49,249,685, C>T. VCF-style: chrX-49249685-C-T. GRCh37 (hg19) VCF-style: chrX-49106146-C-T.
Other names: short protein forms T577I.
Identifiers: ClinVar variation 1193798 (VCV001193798.8), dbSNP rs1557115091, ClinGen allele CA412945823.